The following is an entry in ClinVar:

ClinVar aggregate classification (germline): Uncertain significance. Review status: criteria provided, multiple submitters, no conflicts (2 of 4 stars). 3 submissions from 3 submitters: Uncertain significance (3). Last evaluated 2024-05-22.

Conditions:
Autosomal recessive limb-girdle muscular dystrophy type 2J (LGMDR10). Also called: Limb-girdle muscular dystrophy, type 2J; MUSCULAR DYSTROPHY, LIMB-GIRDLE, AUTOSOMAL RECESSIVE 10. Identifiers: Orphanet 140922, MedGen C1837342, MONDO:0012127, OMIM 608807.
Dilated cardiomyopathy 1G (CMD1G). Identifiers: Orphanet 154, MedGen C1858763, MONDO:0011400, OMIM 604145.
Hypertrophic cardiomyopathy 9. Also called: Familial hypertrophic cardiomyopathy 9. Identifiers: MedGen C1861065, MONDO:0013412, OMIM 613765.
Tibial muscular dystrophy (TMD). Also called: UDD MYOPATHY; Udd Distal Myopathy – Tibial Muscular Dystrophy; Tibial muscular dystrophy, tardive. Identifiers: Orphanet 609, MedGen C1838244, MONDO:0010870, OMIM 600334.
Early-onset myopathy with fatal cardiomyopathy (CMYO5). Also called: CONGENITAL MYOPATHY 5 WITH CARDIOMYOPATHY; Salih Myopathy. Identifiers: Orphanet 289377, MedGen C2673677, MONDO:0012714, OMIM 611705. Disease mechanism: loss of function.
Myopathy, myofibrillar, 9, with early respiratory failure (MFM9). Also called: EDSTROM MYOPATHY; MYOPATHY, PROXIMAL, WITH EARLY RESPIRATORY MUSCLE INVOLVEMENT; Hereditary myopathy with early respiratory failure; Myopathy, distal, with early respiratory failure, autosomal dominant. Identifiers: Orphanet 178464, Orphanet 34521, MedGen C1863599, MONDO:0011362, OMIM 603689.

gnomAD v4.1: 5 of 1,613,690 alleles (0.00031%); highest among the groups gnomAD compares: Admixed American, 0.005%; no homozygotes.

Submissions (3):

GeneDx
Classification: Uncertain significance. Last evaluated: 2024-05-22. Review status: criteria provided, single submitter. Criteria: GeneDx Variant Classification Process June 2021. Collection method: clinical testing. Allele origin: germline. Affected: yes.
Comment: Not observed at significant frequency in large population cohorts (gnomAD); Missense variant in a gene in which most reported pathogenic variants are truncating/loss of function; Has not been previously published as pathogenic or benign to our knowledge

Fulgent Genetics
Classification: Uncertain significance for Tibial muscular dystrophy; Myopathy, myofibrillar, 9, with early respiratory failure; Dilated cardiomyopathy 1G; Autosomal recessive limb-girdle muscular dystrophy type 2J; Early-onset myopathy with fatal cardiomyopathy; Hypertrophic cardiomyopathy 9. Last evaluated: 2021-08-27. Review status: criteria provided, single submitter. Criteria: ACMG Guidelines, 2015. Collection method: clinical testing. Allele origin: unknown.

Labcorp Genetics (formerly Invitae), Labcorp
Classification: Uncertain significance for Dilated cardiomyopathy 1G; Autosomal recessive limb-girdle muscular dystrophy type 2J. Last evaluated: 2017-08-03. Review status: criteria provided, single submitter. Criteria: Invitae Variant Classification Sherloc (09022015). Collection method: clinical testing. Allele origin: germline.

NM_001267550.2(TTN):c.12113C>G (p.Thr4038Ser)

Gene: TTN (titin; minus strand). Cytogenetic location: 2q31.2.
Variant type: single nucleotide variant.
Coding change: c.12113C>G on transcript NM_001267550.2 (MANE Select); coding-DNA position 12113, C replaced by G.
Protein change: p.Thr4038Ser; replaces threonine 4038 with serine.
Molecular consequence: missense variant. On other transcripts: intron variant (1).
Genome position (GRCh38, 1-based): chr2:178,741,120, G>C on the plus strand (C>G on the coding strand, the complement: TTN is on the minus strand). VCF-style: chr2-178741120-G-C. GRCh37 (hg19) VCF-style: chr2-179605847-G-C.
Other names: c.11162C>G, p.Thr3721Ser (NM_001256850.1); c.11024C>G, p.Thr3675Ser (NM_003319.4); c.11399C>G, p.Thr3800Ser (NM_133432.3); c.11600C>G, p.Thr3867Ser (NM_133437.4); c.10361-2760C>G (NM_133378.4); c.12113C>G (NM_001267550.1); short protein forms T4038S, T3721S, T3867S, T3675S, T3800S.
Identifiers: ClinVar variation 535419 (VCV000535419.5), dbSNP rs758968807, ClinGen allele CA2002755.